The following is an entry in ClinVar:

NM_015340.4(LARS2):c.157T>C (p.Leu53=)

Gene: LARS2 (leucyl-tRNA synthetase 2, mitochondrial; plus strand). Cytogenetic location: 3p21.31.
Variant type: single nucleotide variant.
Coding change: c.157T>C on transcript NM_015340.4 (MANE Select); coding-DNA position 157, T replaced by C.
Protein change: p.Leu53=; no amino-acid change (leucine 53 retained).
Molecular consequence: synonymous variant.
Genome position (GRCh38, 1-based): chr3:45,394,610, T>C. VCF-style: chr3-45394610-T-C. GRCh37 (hg19) VCF-style: chr3-45436102-T-C.
Other names: c.157T>C, p.Leu53= (NM_001368263.1).
Identifiers: ClinVar variation 226695 (VCV000226695.17), dbSNP rs141607519, ClinGen allele CA2349205.

ClinVar aggregate classification (germline): Benign. Review status: criteria provided, multiple submitters, no conflicts (2 of 4 stars). 6 submissions from 6 submitters: Benign (5). 1 of the submissions does not count toward it. Last evaluated 2026-02-04.

Allele frequency attached by ClinVar (database versions not stated): 1000 Genomes Project 0.00639; 1000 Genomes Project 30x 0.00765; ESP Exome Variant Server 0.00100; gnomAD exomes 0.00343 and 0.01626; gnomAD 0.00677 and 0.00680; TOPMed 0.01180; ExAC 0.01201.

Submissions (6):

Labcorp Genetics (formerly Invitae), Labcorp
Classification: Benign. Last evaluated: 2026-02-04. Review status: criteria provided, single submitter. Criteria: Invitae Variant Classification Sherloc (09022015). Collection method: clinical testing. Allele origin: germline.

Athena Diagnostics
Classification: Benign. Last evaluated: 2021-05-24. Review status: criteria provided, single submitter. Criteria: Athena Diagnostics criteria. Collection method: clinical testing. Allele origin: unknown.

GeneDx
Classification: Benign. Last evaluated: 2016-01-23. Review status: criteria provided, single submitter. Criteria: GeneDx Variant Classification (06012015). Collection method: clinical testing. Allele origin: germline. Affected: yes.
Comment: This variant is considered likely benign or benign based on one or more of the following criteria: it is a conservative change, it occurs at a poorly conserved position in the protein, it is predicted to be benign by multiple in silico algorithms, and/or has population frequency not consistent with disease.

Laboratory for Molecular Medicine, Mass General Brigham Personalized Medicine
Classification: Benign. Last evaluated: 2014-11-24. Review status: criteria provided, single submitter. Criteria: LMM Criteria. Collection method: clinical testing. Allele origin: germline. Observed: 20 variant alleles.
Comment: Leu53Leu in exon 3 of LARS2: This variant is not expected to have clinical signi ficance because it does not alter an amino acid residue and is not located withi n the splice consensus sequence. It has been identified in 14.4% (19/132) of Mex ican chromosomes from a broad population by the 1000 Genomes Project (.; dbSNP rs141607519).

Breakthrough Genomics
Classification: Benign. Review status: criteria provided, single submitter. Criteria: ACMG Guidelines, 2015. Collection method: not provided. Allele origin: germline. Inheritance: Autosomal recessive inheritance. Affected: yes.

Mayo Clinic Laboratories, Mayo Clinic
Classification: Benign. Last evaluated: 2017-10-25. Review status: no assertion criteria provided. Collection method: clinical testing. Allele origin: unknown. Not counted in ClinVar's aggregate classification.